The following is an entry in ClinVar:

NM_001005273.3(CHD3):c.1043A>C (p.Lys348Thr)

Genes: CHD3 (chromodomain helicase DNA binding protein 3; plus strand), LOC126862484 (CDK7 strongly-dependent group 2 enhancer GRCh37_chr17:7797066-7798265; plus strand). Cytogenetic location: 17p13.1.
Variant type: single nucleotide variant.
Coding change: c.1043A>C on transcript NM_001005273.3 (MANE Select); coding-DNA position 1043, A replaced by C.
Protein change: p.Lys348Thr; replaces lysine 348 with threonine.
Molecular consequence: missense variant.
Genome position (GRCh38, 1-based): chr17:7,894,233, A>C. VCF-style: chr17-7894233-A-C. GRCh37 (hg19) VCF-style: chr17-7797551-A-C.
Other names: c.1220A>C, p.Lys407Thr (NM_001005271.3); c.1043A>C, p.Lys348Thr (NM_005852.4); short protein forms K348T, K407T.
Identifiers: ClinVar variation 3363916 (VCV003363916.1).
Genomic context (GRCh38, chr17:7,894,233, plus strand): 5'-GTGGCAGTGTCCACAGTGCCTCAGGCCGGCCTGATGGCCCTGTCCGCACCAAGAAACTAA[A>C]GAGAGGCCGGCCAGGAAGGAAGAAGAAGAAGGGTAAGGAGTGTTGACTGTGTGTGATCCT-3'
Protein context (NP_001005273.1, residues 338-358): PDGPVRTKKL[Lys348Thr]RGRPGRKKKK

ClinVar aggregate classification (germline): Uncertain significance (1 of 4 stars; one submission).

Submission:

GeneDx
Classification: Uncertain significance. Last evaluated: 2023-11-05. Review status: criteria provided, single submitter. Criteria: GeneDx Variant Classification Process June 2021. Collection method: clinical testing. Allele origin: germline. Affected: yes.
Comment: Not observed at significant frequency in large population cohorts (gnomAD); In silico analysis supports that this missense variant has a deleterious effect on protein structure/function; Has not been previously published as pathogenic or benign to our knowledge